The following is an entry in ClinVar:

ClinVar aggregate classification (germline): Conflicting classifications of pathogenicity. Review status: criteria provided, conflicting classifications (1 of 4 stars). 6 submissions from 5 submitters: Uncertain significance (5); Likely benign (1). Last evaluated 2026-01-05.

Conditions:
NF1-related disorder. Also called: NF1-related condition. Identifiers: MedGen CN379171.
Cardiovascular phenotype. Identifiers: MedGen CN230736.
Hereditary cancer-predisposing syndrome. Also called: Neoplastic Syndromes, Hereditary; Tumor predisposition; Hereditary Cancer Syndrome; Hereditary neoplastic syndrome. Identifiers: Orphanet 140162, MedGen C0027672, MeSH D009386, MONDO:0015356.
Neurofibromatosis, type 1 (NF1). Also called: NEUROFIBROMATOSIS, TYPE I, SOMATIC; Peripheral type neurofibromatosis; Neurofibromatosis, type I; VON RECKLINGHAUSEN DISEASE. Identifiers: Orphanet 636, MedGen C0027831, MONDO:0018975, OMIM 162200. Disease mechanism: loss of function.

Allele frequency attached by ClinVar (database versions not stated): gnomAD 0.00001.
gnomAD v4.1: 8 of 1,613,774 alleles (0.0005%); highest among the groups gnomAD compares: African/African-American, 0.0027%; no homozygotes.

Submissions (6):

Labcorp Genetics (formerly Invitae), Labcorp
Classification: Likely benign for Neurofibromatosis, type 1. Last evaluated: 2026-01-05. Review status: criteria provided, single submitter. Criteria: Invitae Variant Classification Sherloc (09022015). Collection method: clinical testing. Allele origin: germline.

PreventionGenetics, part of Exact Sciences
Classification: Uncertain significance for NF1-related condition. Last evaluated: 2025-06-19. Review status: criteria provided, single submitter. Criteria: ACMG Guidelines, 2015. Collection method: clinical testing. Allele origin: germline.
Comment: The NF1 c.7781G>A variant is predicted to result in the amino acid substitution p.Arg2594His. To our knowledge, this variant has not been reported in the literature or in a large population database (gnomAD), indicating this variant is rare. This variant has conflicting interpretations in ClinVar ranging from likely benign to uncertain. At this time, the clinical significance of this variant is uncertain due to the absence of conclusive functional and genetic evidence.

GeneDx
Classification: Uncertain significance. Last evaluated: 2023-02-21. Review status: criteria provided, single submitter. Criteria: GeneDx Variant Classification Process June 2021. Collection method: clinical testing. Allele origin: germline. Affected: yes.
Comment: Not observed at significant frequency in large population cohorts (gnomAD); In silico analysis supports that this missense variant does not alter protein structure/function; Has not been previously published as pathogenic or benign to our knowledge; This variant is associated with the following publications: (PMID: 25486365)

Genome-Nilou Lab
Classification: Uncertain significance for Neurofibromatosis, type 1. Last evaluated: 2022-03-15. Review status: criteria provided, single submitter. Criteria: ACMG Guidelines, 2015. Collection method: clinical testing. Allele origin: germline. Affected: no.

Ambry Genetics
Classification: Uncertain significance for Cardiovascular phenotype; Hereditary cancer-predisposing syndrome. Last evaluated: 2021-12-13. Review status: criteria provided, single submitter. Criteria: Ambry Variant Classification Scheme 2023. Collection method: clinical testing. Allele origin: germline.

Ambry Genetics
Classification: Uncertain significance for Hereditary cancer-predisposing syndrome. Last evaluated: 2015-02-16. Review status: criteria provided, single submitter. Criteria: Ambry Autosomal Dominant and X-Linked criteria (10/2015). Collection method: clinical testing. Allele origin: germline. Observed: 1 variant allele.
Comment: The p.R2594H variant (also known as c.7781G>A), located in coding exon 53 of the NF1 gene, results from a G to A substitution at nucleotide position 7781. The arginine at codon 2594 is replaced by histidine, an amino acid with highly similar properties. This variant was not reported in population based cohorts in the following databases: Database of Single Nucleotide Polymorphisms (dbSNP), NHLBI Exome Sequencing Project (ESP), and 1000 Genomes Project. In the ESP, this variant was not observed in 6503 samples (13006 alleles) with coverage at this position. To date, this alteration has been detected with an allele frequency of approximately 0.003% (greater than 30000 alleles tested) in our clinical cohort. This amino acid position is well conserved in available vertebrate species. In addition, this alteration is predicted to be benign and deleterious by PolyPhen and SIFT in silico analyses, respectively. Since supporting evidence is limited at this time, the clinical significance of p.R2594H remains unclear.

NM_001042492.3(NF1):c.7781G>A (p.Arg2594His)

Gene: NF1 (neurofibromin 1; plus strand). Cytogenetic location: 17q11.2.
Variant type: single nucleotide variant.
Coding change: c.7781G>A on transcript NM_001042492.3 (MANE Select); coding-DNA position 7781, G replaced by A.
Protein change: p.Arg2594His; replaces arginine 2594 with histidine.
Molecular consequence: missense variant.
Genome position (GRCh38, 1-based): chr17:31,357,002, G>A. VCF-style: chr17-31357002-G-A. GRCh37 (hg19) VCF-style: chr17-29684020-G-A.
Other names: c.7718G>A, p.Arg2573His (NM_000267.4); short protein forms R2573H, R2594H.
Identifiers: ClinVar variation 230365 (VCV000230365.14), dbSNP rs774781617, ClinGen allele CA10580421.
Genomic context (GRCh38, chr17:31,357,002, plus strand): 5'-TTCCCTATCTTGCTGCAGAAACTCAGAGGATTTCCTCATCACAACAGCACCCACATTTAC[G>A]TAAAGTTTCAGTGTCTGAATCAAATGTTCTCTTGGATGAAGAAGTACTTACTGATCCGAA-3'
Protein context (NP_001035957.1, residues 2584-2604): ISSSQQHPHL[Arg2594His]KVSVSESNVL